The following is an entry in ClinVar:

ClinVar aggregate classification (germline): Uncertain significance. Review status: criteria provided, multiple submitters, no conflicts (2 of 4 stars). 4 submissions from 4 submitters: Uncertain significance (4). Last evaluated 2026-02-11.

Conditions:
Ataxia-pancytopenia syndrome (ATXPC). Also called: SAMD9L Ataxia-Pancytopenia Syndrome; SAMD9L-Related Syndrome. Identifiers: Orphanet 2585, MedGen C1327919, MONDO:0008038, OMIM 159550.
Inborn genetic diseases. Identifiers: MedGen C0950123, MeSH D030342.

Allele frequency attached by ClinVar (database versions not stated): gnomAD exomes below 0.00001; gnomAD 0.00002; TOPMed 0.00002.
gnomAD v4.1: 8 of 1,613,332 alleles (0.0005%); highest among the groups gnomAD compares: African/African-American, 0.011%; no homozygotes.

Submissions (4):

St. Jude Molecular Pathology, St. Jude Children's Research Hospital
Classification: Uncertain significance for Ataxia-pancytopenia syndrome. Last evaluated: 2026-02-11. Review status: criteria provided, single submitter. Criteria: St. Jude Assertion Criteria 2020. Collection method: clinical testing. Allele origin: germline.
Comment: The SAMD9L c.3032T>C p.(Ile1011Thr) missense change has a maximum subpopulation frequency of 0.02% in gnomAD v2.1.1. The in silico tool REVEL predicts a benign effect on protein function, but to our knowledge this prediction has not been confirmed by functional studies. In silico predictions have not been found to correlate with syndromic risk and are not considered supporting evidence of a pathogenic or benign effect (PMID: 34621053). To our knowledge, this variant has not been reported in individuals with ataxia-pancytopenia syndrome or monosomy 7 myelodysplasia and leukemia syndrome. In summary, the evidence currently available is insufficient to determine the clinical significance of this variant. It has therefore been classified as of uncertain significance.

Ambry Genetics
Classification: Uncertain significance for Inborn genetic diseases. Last evaluated: 2025-03-15. Review status: criteria provided, single submitter. Criteria: Ambry Variant Classification Scheme 2023. Collection method: clinical testing. Allele origin: germline.
Comment: The p.I1011T variant (also known as c.3032T>C), located in coding exon 1 of the SAMD9L gene, results from a T to C substitution at nucleotide position 3032. The isoleucine at codon 1011 is replaced by threonine, an amino acid with similar properties. This amino acid position is conserved. In addition, the in silico prediction for this alteration is inconclusive. Based on the available evidence, the clinical significance of this variant remains unclear.

Labcorp Genetics (formerly Invitae), Labcorp
Classification: Uncertain significance. Last evaluated: 2025-02-20. Review status: criteria provided, single submitter. Criteria: Invitae Variant Classification Sherloc (09022015). Collection method: clinical testing. Allele origin: germline.
Comment: This sequence change replaces isoleucine, which is neutral and non-polar, with threonine, which is neutral and polar, at codon 1011 of the SAMD9L protein (p.Ile1011Thr). This variant is present in population databases (no rsID available, gnomAD 0.02%). This variant has not been reported in the literature in individuals affected with SAMD9L-related conditions. ClinVar contains an entry for this variant (Variation ID: 1320767). Invitae Evidence Modeling of protein sequence and biophysical properties (such as structural, functional, and spatial information, amino acid conservation, physicochemical variation, residue mobility, and thermodynamic stability) indicates that this missense variant is not expected to disrupt SAMD9L protein function with a negative predictive value of 80%. In summary, the available evidence is currently insufficient to determine the role of this variant in disease. Therefore, it has been classified as a Variant of Uncertain Significance.

GeneDx
Classification: Uncertain significance. Last evaluated: 2023-07-26. Review status: criteria provided, single submitter. Criteria: GeneDx Variant Classification Process June 2021. Collection method: clinical testing. Allele origin: germline. Affected: yes.
Comment: In silico analysis supports that this missense variant has a deleterious effect on protein structure/function; Has not been previously published as pathogenic or benign to our knowledge; This variant is associated with the following publications: (PMID: 28545555)

NM_152703.5(SAMD9L):c.3032T>C (p.Ile1011Thr)

Gene: SAMD9L (sterile alpha motif domain containing 9 like; minus strand). Cytogenetic location: 7q21.2.
Variant type: single nucleotide variant.
Coding change: c.3032T>C on transcript NM_152703.5 (MANE Select); coding-DNA position 3032, T replaced by C.
Protein change: p.Ile1011Thr; replaces isoleucine 1011 with threonine.
Molecular consequence: missense variant.
Genome position (GRCh38, 1-based): chr7:93,132,940, A>G on the plus strand (T>C on the coding strand, the complement: SAMD9L is on the minus strand). VCF-style: chr7-93132940-A-G. GRCh37 (hg19) VCF-style: chr7-92762253-A-G.
Other names: c.3032T>C, p.Ile1011Thr (NM_001303496.3, NM_001303497.3, NM_001303498.3 and 5 more transcripts); c.3032T>C (NM_152703.2); short protein forms I1011T.
Identifiers: ClinVar variation 1320767 (VCV001320767.8), dbSNP rs1423724007, ClinGen allele CA368185487.